The following is an entry in ClinVar:

ClinVar aggregate classification (germline): Uncertain significance (1 of 4 stars; one submission).

Conditions:
Hereditary cancer-predisposing syndrome. Also called: Neoplastic Syndromes, Hereditary; Tumor predisposition; Hereditary Cancer Syndrome; Hereditary neoplastic syndrome. Identifiers: Orphanet 140162, MedGen C0027672, MeSH D009386, MONDO:0015356.

Submission:

Color Diagnostics, LLC DBA Color Health
Classification: Uncertain significance for Hereditary cancer-predisposing syndrome. Last evaluated: 2023-12-05. Review status: criteria provided, single submitter. Criteria: ACMG Guidelines, 2015. Collection method: clinical testing. Allele origin: germline.
Comment: This missense variant replaces alanine with valine at codon 76 of the RAD51C protein. Computational prediction suggests that this variant may not impact protein structure and function (internally defined REVEL score threshold <= 0.5, PMID: 27666373). To our knowledge, functional studies have not been reported for this variant. This variant has not been reported in individuals affected with RAD51C-related disorders in the literature. This variant has not been identified in the general population by the Genome Aggregation Database (gnomAD). The available evidence is insufficient to determine the role of this variant in disease conclusively. Therefore, this variant is classified as a Variant of Uncertain Significance.

NM_058216.3(RAD51C):c.227C>T (p.Ala76Val)

Gene: RAD51C (RAD51 paralog C; plus strand). Cytogenetic location: 17q22.
Variant type: single nucleotide variant.
Coding change: c.227C>T on transcript NM_058216.3 (MANE Select); coding-DNA position 227, C replaced by T.
Protein change: p.Ala76Val; replaces alanine 76 with valine.
Molecular consequence: missense variant. On other transcripts: non-coding transcript variant (2).
Genome position (GRCh38, 1-based): chr17:58,695,012, C>T. VCF-style: chr17-58695012-C-T. GRCh37 (hg19) VCF-style: chr17-56772373-C-T.
Other names: c.227C>T, p.Ala76Val (NM_002876.4); short protein forms A76V.
Identifiers: ClinVar variation 921784 (VCV000921784.4), dbSNP rs760175119, ClinGen allele CA400340198.